The following is an entry in ClinVar:

ClinVar aggregate classification (germline): Uncertain significance (1 of 4 stars; one submission).

gnomAD v4.1: 1 of 1,614,224 alleles (0.000062%); highest among the groups gnomAD compares: Non-Finnish European, 0.000085%; no homozygotes.

Submission:

Labcorp Genetics (formerly Invitae), Labcorp
Classification: Uncertain significance. Last evaluated: 2024-06-30. Review status: criteria provided, single submitter. Criteria: Invitae Variant Classification Sherloc (09022015). Collection method: clinical testing. Allele origin: germline.
Comment: This sequence change replaces serine, which is neutral and polar, with asparagine, which is neutral and polar, at codon 409 of the LEMD3 protein (p.Ser409Asn). This variant is not present in population databases (gnomAD no frequency). This variant has not been reported in the literature in individuals affected with LEMD3-related conditions. Advanced modeling of protein sequence and biophysical properties (such as structural, functional, and spatial information, amino acid conservation, physicochemical variation, residue mobility, and thermodynamic stability) performed at Invitae indicates that this missense variant is not expected to disrupt LEMD3 protein function with a negative predictive value of 80%. In summary, the available evidence is currently insufficient to determine the role of this variant in disease. Therefore, it has been classified as a Variant of Uncertain Significance.

NM_014319.5(LEMD3):c.1226G>A (p.Ser409Asn)

Gene: LEMD3 (LEM domain containing 3; plus strand). Cytogenetic location: 12q14.3.
Variant type: single nucleotide variant.
Coding change: c.1226G>A on transcript NM_014319.5 (MANE Select); coding-DNA position 1226, G replaced by A.
Protein change: p.Ser409Asn; replaces serine 409 with asparagine.
Molecular consequence: missense variant.
Genome position (GRCh38, 1-based): chr12:65,170,822, G>A. VCF-style: chr12-65170822-G-A. GRCh37 (hg19) VCF-style: chr12-65564602-G-A.
Other names: c.1226G>A, p.Ser409Asn (NM_001167614.2); short protein forms S409N.
Identifiers: ClinVar variation 3688526 (VCV003688526.2).